The following is an entry in ClinVar:

NM_033118.4(MYLK2):c.829G>A (p.Gly277Arg)

Gene: MYLK2 (myosin light chain kinase 2; plus strand). Cytogenetic location: 20q11.21.
Variant type: single nucleotide variant.
Coding change: c.829G>A on transcript NM_033118.4 (MANE Select); coding-DNA position 829, G replaced by A.
Protein change: p.Gly277Arg; replaces glycine 277 with arginine.
Molecular consequence: missense variant.
Genome position (GRCh38, 1-based): chr20:31,823,533, G>A. VCF-style: chr20-31823533-G-A. GRCh37 (hg19) VCF-style: chr20-30411336-G-A.
Other names: short protein forms G277R.
Identifiers: ClinVar variation 3159942 (VCV003159942.3), dbSNP rs372981969, ClinGen allele CA9803015.

ClinVar aggregate classification (germline): Uncertain significance. Review status: criteria provided, multiple submitters, no conflicts (2 of 4 stars). 2 submissions from 2 submitters: Uncertain significance (2). Last evaluated 2024-08-08.

Conditions:
Hypertrophic cardiomyopathy 1 (CMH1). Also called: Familial hypertrophic cardiomyopathy 1; MYH7-Related Familial Hypertrophic Cardiomyopathy. Identifiers: MedGen C3495498, MONDO:0008647, OMIM 192600.

Allele frequency attached by ClinVar (database versions not stated): 1000 Genomes Project 0.00020; 1000 Genomes Project 30x 0.00031; gnomAD 0.00001; gnomAD exomes 0.00001; ExAC 0.00002; TOPMed 0.00002; ESP Exome Variant Server 0.00008.
gnomAD v4.1: 10 of 1,613,856 alleles (0.00062%); highest among the groups gnomAD compares: Admixed American, 0.005%; no homozygotes.

Submissions (2):

Labcorp Genetics (formerly Invitae), Labcorp
Classification: Uncertain significance for Hypertrophic cardiomyopathy 1. Last evaluated: 2024-08-08. Review status: criteria provided, single submitter. Criteria: Invitae Variant Classification Sherloc (09022015). Collection method: clinical testing. Allele origin: germline.
Comment: This sequence change replaces glycine, which is neutral and non-polar, with arginine, which is basic and polar, at codon 277 of the MYLK2 protein (p.Gly277Arg). This variant is present in population databases (rs372981969, gnomAD 0.003%). This variant has not been reported in the literature in individuals affected with MYLK2-related conditions. Advanced modeling of protein sequence and biophysical properties (such as structural, functional, and spatial information, amino acid conservation, physicochemical variation, residue mobility, and thermodynamic stability) performed at Invitae indicates that this missense variant is not expected to disrupt MYLK2 protein function with a negative predictive value of 80%. In summary, the available evidence is currently insufficient to determine the role of this variant in disease. Therefore, it has been classified as a Variant of Uncertain Significance.

Ambry Genetics
Classification: Uncertain significance. Last evaluated: 2023-12-11. Review status: criteria provided, single submitter. Criteria: Ambry Variant Classification Scheme 2023. Collection method: clinical testing. Allele origin: germline.